The following is an entry in ClinVar:

NM_017617.5(NOTCH1):c.1904-16C>T

Gene: NOTCH1 (notch receptor 1; minus strand). Cytogenetic location: 9q34.3.
Variant type: single nucleotide variant.
Coding change: c.1904-16C>T on transcript NM_017617.5 (MANE Select); 16 bases into the intron before coding-DNA position 1904, C replaced by T.
Molecular consequence: intron variant.
Genome position (GRCh38, 1-based): chr9:136,515,416, G>A on the plus strand (C>T on the coding strand, the complement: NOTCH1 is on the minus strand). VCF-style: chr9-136515416-G-A. GRCh37 (hg19) VCF-style: chr9-139409868-G-A.
Other names: c.1904-16C>T (LRG_1122t1).
Identifiers: ClinVar variation 507972 (VCV000507972.9), dbSNP rs775848413, ClinGen allele CA5341573.
Genomic context (GRCh38, chr9:136,515,416, plus strand): 5'-AGGGGCTGCTGGCACAGTCATCCAGGTTGATCTCGCAGTTGGGTCCTGAAGGGGTGGCAC[G>A]TGTCGGTCAGTCCTCAGGCCCGCCCTGCCCACTGGCCCCCCGCCGGCCACCCGCCTGGCC-3'

ClinVar aggregate classification (germline): Likely benign. Review status: criteria provided, multiple submitters, no conflicts (2 of 4 stars). 4 submissions from 3 submitters: Likely benign (4). Last evaluated 2025-02-27.

Conditions:
Adams-Oliver syndrome 5 (AOS5). Identifiers: Orphanet 974, MedGen C4014970, MONDO:0014459, OMIM 616028.
Aortic valve disease 1 (AOVD1). Identifiers: MedGen C3887892, MONDO:0024523, OMIM 109730.

Allele frequency attached by ClinVar (database versions not stated): TOPMed 0.00006.
gnomAD v4.1: 28 of 1,612,476 alleles (0.0017%); highest among the groups gnomAD compares: African/African-American, 0.02%; no homozygotes.

Submissions (4):

Labcorp Genetics (formerly Invitae), Labcorp
Classification: Likely benign for Adams-Oliver syndrome 5. Last evaluated: 2025-02-27. Review status: criteria provided, single submitter. Criteria: Invitae Variant Classification Sherloc (09022015). Collection method: clinical testing. Allele origin: germline.

Genome-Nilou Lab
Classification: Likely benign for Adams-Oliver syndrome 5. Last evaluated: 2022-03-15. Review status: criteria provided, single submitter. Criteria: ACMG Guidelines, 2015. Collection method: clinical testing. Allele origin: germline. Affected: no.

Genome-Nilou Lab
Classification: Likely benign for Aortic valve disease 1. Last evaluated: 2022-03-15. Review status: criteria provided, single submitter. Criteria: ACMG Guidelines, 2015. Collection method: clinical testing. Allele origin: germline. Affected: no.

GeneDx
Classification: Likely benign. Last evaluated: 2017-03-14. Review status: criteria provided, single submitter. Criteria: GeneDx Variant Classification (06012015). Collection method: clinical testing. Allele origin: germline. Affected: yes.
Comment: This variant is considered likely benign or benign based on one or more of the following criteria: it is a conservative change, it occurs at a poorly conserved position in the protein, it is predicted to be benign by multiple in silico algorithms, and/or has population frequency not consistent with disease.